The following is an entry in ClinVar:

ClinVar aggregate classification (germline): Uncertain significance (1 of 4 stars; one submission).

Conditions:
Rhabdoid tumor predisposition syndrome 2 (RTPS2). Identifiers: Orphanet 231108, Orphanet 69077, MedGen C2750074, MONDO:0013224, OMIM 613325.

Submission:

Labcorp Genetics (formerly Invitae), Labcorp
Classification: Uncertain significance for Rhabdoid tumor predisposition syndrome 2. Last evaluated: 2019-08-19. Review status: criteria provided, single submitter. Criteria: Invitae Variant Classification Sherloc (09022015). Collection method: clinical testing. Allele origin: germline.
Comment: This sequence change replaces valine with isoleucine at codon 714 of the SMARCA4 protein (p.Val714Ile). The valine residue is highly conserved and there is a small physicochemical difference between valine and isoleucine. This variant is not present in population databases (ExAC no frequency). This variant has not been reported in the literature in individuals with SMARCA4-related conditions. Algorithms developed to predict the effect of missense changes on protein structure and function are either unavailable or do not agree on the potential impact of this missense change (SIFT: "Deleterious"; PolyPhen-2: "Benign"; Align-GVGD: "Class C0"). In summary, the available evidence is currently insufficient to determine the role of this variant in disease. Therefore, it has been classified as a Variant of Uncertain Significance.

NM_003072.5(SMARCA4):c.2140G>A (p.Val714Ile)

Gene: SMARCA4 (SWI/SNF related BAF chromatin remodeling complex subunit ATPase 4; plus strand). Cytogenetic location: 19p13.2.
Variant type: single nucleotide variant.
Coding change: c.2140G>A on transcript NM_003072.5 (MANE Select); coding-DNA position 2140, G replaced by A.
Protein change: p.Val714Ile; replaces valine 714 with isoleucine.
Molecular consequence: missense variant. On other transcripts: non-coding transcript variant (1).
Genome position (GRCh38, 1-based): chr19:11,010,397, G>A. VCF-style: chr19-11010397-G-A. GRCh37 (hg19) VCF-style: chr19-11121073-G-A.
Other names: c.2140G>A, p.Val714Ile (NM_001128844.3, NM_001128845.2, NM_001128846.2 and 4 more transcripts); short protein forms V714I.
Identifiers: ClinVar variation 933346 (VCV000933346.9), dbSNP rs2088711962, ClinGen allele CA404052684.